The following is an entry in ClinVar:

ClinVar aggregate classification (germline): Likely pathogenic. Review status: criteria provided, multiple submitters, no conflicts (2 of 4 stars). 2 submissions from 2 submitters: Likely pathogenic (2). Last evaluated 2023-06-17.

Conditions:
Methylmalonic aciduria, cblB type (MACB). Also called: METHYLMALONIC ACIDURIA, VITAMIN B12-RESPONSIVE, DUE TO DEFECT IN SYNTHESIS OF ADENOSYLCOBALAMIN, cblB TYPE; Vitamin B12-responsive methylmalonic acidemia type cblB; Methylmalonic acidemia cblB type. Identifiers: Orphanet 28, Orphanet 79311, MedGen C1855102, MONDO:0009614, OMIM 251110.

Allele frequency attached by ClinVar (database versions not stated): gnomAD exomes below 0.00001.
gnomAD v4.1: 1 of 1,612,482 alleles (0.000062%); no homozygotes.

Submissions (2):

Baylor Genetics
Classification: Likely pathogenic for Methylmalonic aciduria, cblB type. Last evaluated: 2023-06-17. Review status: criteria provided, single submitter. Criteria: ACMG Guidelines, 2015. Collection method: clinical testing. Allele origin: unknown.

Labcorp Genetics (formerly Invitae), Labcorp
Classification: Likely pathogenic for Methylmalonic aciduria, cblB type. Last evaluated: 2019-11-03. Review status: criteria provided, single submitter. Criteria: Invitae Variant Classification Sherloc (09022015). Collection method: clinical testing. Allele origin: germline.
Comment: This sequence change affects a donor splice site in intron 3 of the MMAB gene. It is expected to disrupt RNA splicing and likely results in an absent or disrupted protein product. This variant is not present in population databases (ExAC no frequency). This variant has been observed in individual(s) with cobalamin B deficiency (Invitae). Algorithms developed to predict the effect of sequence changes on RNA splicing suggest that this variant may disrupt the consensus splice site, but this prediction has not been confirmed by published transcriptional studies. Donor and acceptor splice site variants typically lead to a loss of protein function (PMID: 16199547), and loss-of-function variants in MMAB are known to be pathogenic (PMID: 15781192, 16410054). In summary, the currently available evidence indicates that the variant is pathogenic, but additional data are needed to prove that conclusively. Therefore, this variant has been classified as Likely Pathogenic.

Literature cited by the submitters: PubMed 16199547 (cited by Labcorp Genetics (formerly Invitae), Labcorp); PubMed 15781192 (cited by Labcorp Genetics (formerly Invitae), Labcorp); PubMed 16410054 (cited by Labcorp Genetics (formerly Invitae), Labcorp).

NM_052845.4(MMAB):c.290+1G>A

Gene: MMAB (metabolism of cobalamin associated B; minus strand). Cytogenetic location: 12q24.11.
Variant type: single nucleotide variant.
Coding change: c.290+1G>A on transcript NM_052845.4 (MANE Select); the canonical splice donor site of the intron after coding-DNA position 290, G replaced by A.
Molecular consequence: splice donor variant.
Genome position (GRCh38, 1-based): chr12:109,568,769, C>T on the plus strand (G>A on the coding strand, the complement: MMAB is on the minus strand). VCF-style: chr12-109568769-C-T. GRCh37 (hg19) VCF-style: chr12-110006574-C-T.
Identifiers: ClinVar variation 966752 (VCV000966752.11), dbSNP rs1351673148, ClinGen allele CA386639405.